The following is an entry in ClinVar:

ClinVar aggregate classification (germline): Pathogenic (1 of 4 stars; one submission).

Submission:

Labcorp Genetics (formerly Invitae), Labcorp
Classification: Pathogenic. Last evaluated: 2025-05-22. Review status: criteria provided, single submitter. Criteria: Invitae Variant Classification Sherloc (09022015). Collection method: clinical testing. Allele origin: germline.
Comment: This sequence change creates a premature translational stop signal (p.Ile174Serfs*12) in the LRAT gene. While this is not anticipated to result in nonsense mediated decay, it is expected to disrupt the last 57 amino acid(s) of the LRAT protein. This variant is not present in population databases (gnomAD no frequency). This premature translational stop signal has been observed in individual(s) with LRAT-related conditions (PMID: 21217109, 26656277). This variant disrupts a region of the LRAT protein in which other variant(s) (p.Leu203*) have been determined to be pathogenic (Internal data). This suggests that this is a clinically significant region of the protein, and that variants that disrupt it are likely to be disease-causing. For these reasons, this variant has been classified as Pathogenic.

Literature cited by the submitters: PubMed 21217109; PubMed 26656277.

NM_004744.5(LRAT):c.519del (p.Ile174fs)

Gene: LRAT (lecithin retinol acyltransferase; plus strand). Cytogenetic location: 4q32.1.
Variant type: Deletion.
Coding change: c.519del on transcript NM_004744.5 (MANE Select); coding-DNA position 519, one base deleted (G; older notation c.519delG).
Protein change: p.Ile174fs; shifts the reading frame from isoleucine 174.
Molecular consequence: frameshift variant.
Genome position (GRCh38, 1-based): chr4:154,744,845, G deleted. VCF-style (leftmost placement, unchanged base first): chr4-154744844-CG-C. GRCh37 (hg19) VCF-style: chr4-155665996-CG-C.
Other names: c.519del, p.Ile174fs (NM_001301645.2); short protein forms I174fs.
Identifiers: ClinVar variation 4743381 (VCV004743381.1).